The following is an entry in ClinVar:

NM_006231.4(POLE):c.1525G>A (p.Ala509Thr)

Gene: POLE (DNA polymerase epsilon, catalytic subunit; minus strand). Cytogenetic location: 12q24.33.
Variant type: single nucleotide variant.
Coding change: c.1525G>A on transcript NM_006231.4 (MANE Select); coding-DNA position 1525, G replaced by A.
Protein change: p.Ala509Thr; replaces alanine 509 with threonine.
Molecular consequence: missense variant.
Genome position (GRCh38, 1-based): chr12:132,672,788, C>T on the plus strand (G>A on the coding strand, the complement: POLE is on the minus strand). VCF-style: chr12-132672788-C-T. GRCh37 (hg19) VCF-style: chr12-133249374-C-T.
Other names: short protein forms A509T.
Identifiers: ClinVar variation 3422088 (VCV003422088.1).

ClinVar aggregate classification (germline): Uncertain significance (1 of 4 stars; one submission).

Conditions:
Hereditary cancer-predisposing syndrome. Also called: Neoplastic Syndromes, Hereditary; Tumor predisposition; Hereditary Cancer Syndrome; Hereditary neoplastic syndrome. Identifiers: Orphanet 140162, MedGen C0027672, MeSH D009386, MONDO:0015356.

Submission:

Ambry Genetics
Classification: Uncertain significance for Hereditary cancer-predisposing syndrome. Last evaluated: 2024-09-30. Review status: criteria provided, single submitter. Criteria: Ambry Variant Classification Scheme 2023. Collection method: clinical testing. Allele origin: germline.
Comment: The p.A509T variant (also known as c.1525G>A), located in coding exon 15 of the POLE gene, results from a G to A substitution at nucleotide position 1525. The alanine at codon 509 is replaced by threonine, an amino acid with similar properties. This amino acid position is conserved. In addition, the in silico prediction for this alteration is inconclusive. Based on the available evidence, the clinical significance of this variant remains unclear.